The following is an entry in ClinVar:

NM_015559.3(SETBP1):c.4023del (p.Val1342fs)

Gene: SETBP1 (SET binding protein 1; plus strand). Cytogenetic location: 18q12.3.
Variant type: Deletion.
Coding change: c.4023del on transcript NM_015559.3 (MANE Select); coding-DNA position 4023, one base deleted (A; older notation c.4023delA).
Protein change: p.Val1342fs; shifts the reading frame from valine 1342.
Molecular consequence: frameshift variant. On other transcripts: intron variant (1).
Genome position (GRCh38, 1-based): chr18:45,038,507, A deleted; the last of 4 consecutive A bases (chr18:45,038,504-45,038,507); deleting any one gives the same sequence. VCF-style (leftmost placement, unchanged base first): chr18-45038503-TA-T. GRCh37 (hg19) VCF-style: chr18-42618468-TA-T.
Other names: c.4023del, p.Val1342fs (NM_001379141.1, NM_001379142.1); c.4001-24572del (NM_001410862.1); short protein forms V1342fs.
Identifiers: ClinVar variation 4291980 (VCV004291980.1).

ClinVar aggregate classification (germline): Likely pathogenic (1 of 4 stars; one submission).

Conditions:
Intellectual developmental disorder, autosomal dominant 29. Also called: Intellectual disability, autosomal dominant 29; SETBP1 Haploinsufficiency Disorder. Identifiers: Orphanet 436151, MedGen C4015141, MONDO:0014482, OMIM 616078.

Submission:

3billion
Classification: Likely pathogenic for Intellectual developmental disorder, autosomal dominant 29. Last evaluated: 2024-07-23. Review status: criteria provided, single submitter. Criteria: ACMG Guidelines, 2015. Collection method: clinical testing. Allele origin: germline. Affected: yes.
Comment: The variant is not observed in the gnomAD v4.0.0 dataset. Predicted Consequence/Location: Frameshift: predicted to result in a loss or disruption of normal protein function through nonsense-mediated decay (NMD) or protein truncation. Multiple pathogenic variants are reported downstream of the variant. Therefore, this variant is classified as Likely pathogenic according to the recommendation of ACMG/AMP guideline.